The following is an entry in ClinVar:

NM_003072.5(SMARCA4):c.694_695insTTGGCC (p.Gly231_Pro232insLeuGly)

Gene: SMARCA4 (SWI/SNF related BAF chromatin remodeling complex subunit ATPase 4; plus strand). Cytogenetic location: 19p13.2.
Variant type: Insertion.
Coding change: c.694_695insTTGGCC on transcript NM_003072.5 (MANE Select); coding-DNA positions 694 to 695, TTGGCC inserted.
Protein change: p.Gly231_Pro232insLeuGly.
Molecular consequence: inframe insertion. On other transcripts: non-coding transcript variant (1).
Genome position: GRCh38 VCF-style: chr19-10986523-C-CGGCCTT. GRCh37 (hg19) VCF-style: chr19-11097199-C-CGGCCTT.
Other names: c.694_695insTTGGCC, p.Gly231_Pro232insLeuGly (NM_001128844.3, NM_001128845.2, NM_001128846.2 and 5 more transcripts).
Identifiers: ClinVar variation 484977 (VCV000484977.10), dbSNP rs1555753619, ClinGen allele CA658656749.

ClinVar aggregate classification (germline): Uncertain significance. Review status: criteria provided, multiple submitters, no conflicts (2 of 4 stars). 2 submissions from 2 submitters: Uncertain significance (2). Last evaluated 2023-07-10.

Conditions:
Rhabdoid tumor predisposition syndrome 2 (RTPS2). Identifiers: Orphanet 231108, Orphanet 69077, MedGen C2750074, MONDO:0013224, OMIM 613325.
Hereditary cancer-predisposing syndrome. Also called: Neoplastic Syndromes, Hereditary; Tumor predisposition; Hereditary Cancer Syndrome; Hereditary neoplastic syndrome. Identifiers: Orphanet 140162, MedGen C0027672, MeSH D009386, MONDO:0015356.

Submissions (2):

Labcorp Genetics (formerly Invitae), Labcorp
Classification: Uncertain significance for Rhabdoid tumor predisposition syndrome 2. Last evaluated: 2023-07-10. Review status: criteria provided, single submitter. Criteria: Invitae Variant Classification Sherloc (09022015). Collection method: clinical testing. Allele origin: germline.
Comment: In summary, the available evidence is currently insufficient to determine the role of this variant in disease. Therefore, it has been classified as a Variant of Uncertain Significance. ClinVar contains an entry for this variant (Variation ID: 484977). This variant has not been reported in the literature in individuals affected with SMARCA4-related conditions. This variant is not present in population databases (gnomAD no frequency). This variant, c.694_695insTTGGCC, results in the insertion of 2 amino acid(s) of the SMARCA4 protein (p.Gly231_Pro232insLeuGly), but otherwise preserves the integrity of the reading frame.

Ambry Genetics
Classification: Uncertain significance for Hereditary cancer-predisposing syndrome. Last evaluated: 2020-02-12. Review status: criteria provided, single submitter. Criteria: Ambry Variant Classification Scheme 2023. Collection method: clinical testing. Allele origin: germline.
Comment: The c.694_695insTTGGCC variant (also known as p.G231_P232insLG), located in coding exon 3 of the SMARCA4 gene, results from an in-frame TTGGCC insertion at nucleotide positions 694 to 695. This results in the insertion of an extra leucine and glycine residue between codons 231 and 232. This amino acid region is generally well conserved. In addition, this alteration is predicted to be neutral by in silico analysis (Choi Y et al. PLoS ONE. 2012; 7(10):e46688).Since supporting evidence is limited at this time, the clinical significance of this alteration remains unclear.